The following is an entry in ClinVar:

ClinVar aggregate classification (germline): Conflicting classifications of pathogenicity. Review status: criteria provided, conflicting classifications (1 of 4 stars). 5 submissions from 5 submitters: Uncertain significance (1); Likely benign (4). Last evaluated 2026-01-24.

Conditions:
Inborn genetic diseases. Identifiers: MedGen C0950123, MeSH D030342.
Transcobalamin II deficiency (TCN2D). Also called: TC II DEFICIENCY; TCN2 DEFICIENCY; Transcolabamin II deficiency. Identifiers: Orphanet 859, MedGen C0342701, MONDO:0010149, OMIM 275350.

Allele frequency attached by ClinVar (database versions not stated): gnomAD exomes 0.00025 and 0.00051; ExAC 0.00061; gnomAD 0.00188 and 0.00196; ESP Exome Variant Server 0.00200; TOPMed 0.00206; 1000 Genomes Project 0.00339; 1000 Genomes Project 30x 0.00390.
gnomAD v4.1: 684 of 1,614,168 alleles (0.042%); highest among the groups gnomAD compares: African/African-American, 0.63%; 5 homozygotes.

Submissions (5):

Labcorp Genetics (formerly Invitae), Labcorp
Classification: Likely benign for Transcobalamin II deficiency. Last evaluated: 2026-01-24. Review status: criteria provided, single submitter. Criteria: Invitae Variant Classification Sherloc (09022015). Collection method: clinical testing. Allele origin: germline.

Ambry Genetics
Classification: Uncertain significance for Inborn genetic diseases. Last evaluated: 2025-11-13. Review status: criteria provided, single submitter. Criteria: Ambry Variant Classification Scheme 2023. Collection method: clinical testing. Allele origin: germline.

Blueprint Genetics
Classification: Likely benign. Last evaluated: 2024-11-13. Review status: criteria provided, single submitter. Criteria: ACMG Guidelines, 2015. Collection method: clinical testing. Allele origin: germline.

Illumina Laboratory Services, Illumina
Classification: Likely benign for Transcobalamin II deficiency. Last evaluated: 2018-01-12. Review status: criteria provided, single submitter. Criteria: ICSL Variant Classification Criteria 13 December 2019. Collection method: clinical testing. Allele origin: germline.
Comment: This variant was observed in the ICSL laboratory as part of a predisposition screen in an ostensibly healthy population. It had not been previously curated by ICSL or reported in the Human Gene Mutation Database (HGMD: prior to June 1st, 2018), and was therefore a candidate for classification through an automated scoring system. Utilizing variant allele frequency, disease prevalence and penetrance estimates, and inheritance mode, an automated score was calculated to assess if this variant is too frequent to cause the disease. Based on the score and internal cut-off values, a variant classified as likely benign is not then subjected to further curation. The score for this variant resulted in a classification of likely benign for this disease.

Breakthrough Genomics
Classification: Likely benign. Review status: criteria provided, single submitter. Criteria: ACMG Guidelines, 2015. Collection method: not provided. Allele origin: germline. Inheritance: Autosomal recessive inheritance. Affected: yes.

NM_000355.4(TCN2):c.554C>T (p.Pro185Leu)

Gene: TCN2 (transcobalamin 2; plus strand). Cytogenetic location: 22q12.2.
Variant type: single nucleotide variant.
Coding change: c.554C>T on transcript NM_000355.4 (MANE Select); coding-DNA position 554, C replaced by T.
Protein change: p.Pro185Leu; replaces proline 185 with leucine.
Molecular consequence: missense variant.
Genome position (GRCh38, 1-based): chr22:30,614,475, C>T. VCF-style: chr22-30614475-C-T. GRCh37 (hg19) VCF-style: chr22-31010462-C-T.
Other names: c.473C>T, p.Pro158Leu (NM_001184726.2); short protein forms P185L, P158L.
Identifiers: ClinVar variation 341198 (VCV000341198.18), dbSNP rs146009793, ClinGen allele CA10184699.